The following is an entry in ClinVar:

NM_001611.5(ACP5):c.47C>A (p.Pro16His)

Gene: ACP5 (acid phosphatase 5, tartrate resistant; minus strand). Cytogenetic location: 19p13.2.
Variant type: single nucleotide variant.
Coding change: c.47C>A on transcript NM_001611.5 (MANE Select); coding-DNA position 47, C replaced by A.
Protein change: p.Pro16His; replaces proline 16 with histidine.
Molecular consequence: missense variant.
Genome position (GRCh38, 1-based): chr19:11,577,271, G>T on the plus strand (C>A on the coding strand, the complement: ACP5 is on the minus strand). VCF-style: chr19-11577271-G-T. GRCh37 (hg19) VCF-style: chr19-11688086-G-T.
Other names: c.47C>A, p.Pro16His (NM_001111034.3, NM_001111035.3, NM_001111036.3 and 1 more transcripts); c.47C>A (NM_001111035.1); short protein forms P16H.
Identifiers: ClinVar variation 1024327 (VCV001024327.8), dbSNP rs201047202, ClinGen allele CA9215534.
Genomic context (GRCh38, chr19:11,577,271, plus strand): 5'-CCTCCCCAGTCACCCACGGCTACAAAGCGCAGGGCAGGGGTGGCACCATCAGCCAGGGAG[G>T]GTAGCAACAAGGCTTGCAGGATGAGCAGCGCCGTCCACATGTCCATCTGGGAGAAGAGAG-3'
Protein context (NP_001602.1, residues 6-26): ALLILQALLL[Pro16His]SLADGATPAL

ClinVar aggregate classification (germline): Uncertain significance. Review status: criteria provided, multiple submitters, no conflicts (2 of 4 stars). 2 submissions from 2 submitters: Uncertain significance (2). Last evaluated 2024-01-29.

Conditions:
Spondyloenchondrodysplasia with immune dysregulation (SPENCDI). Also called: COMBINED IMMUNODEFICIENCY WITH AUTOIMMUNITY AND SPONDYLOMETAPHYSEAL DYSPLASIA; SPONDYLOENCHONDRODYSPLASIA WITH OR WITHOUT IMMUNE DYSREGULATION; ROIFMAN IMMUNOSKELETAL SYNDROME. Identifiers: Orphanet 1855, MedGen C1842763, MONDO:0011939, OMIM 607944.
Inborn genetic diseases. Identifiers: MedGen C0950123, MeSH D030342.

Allele frequency attached by ClinVar (database versions not stated): gnomAD exomes below 0.00001 and 0.00004; TOPMed below 0.00001; gnomAD 0.00001 and 0.00002; ExAC 0.00007; 1000 Genomes Project 30x 0.00016; 1000 Genomes Project 0.00020.

Submissions (2):

Ambry Genetics
Classification: Uncertain significance for Inborn genetic diseases. Last evaluated: 2024-01-29. Review status: criteria provided, single submitter. Criteria: Ambry Variant Classification Scheme 2023. Collection method: clinical testing. Allele origin: germline.

Labcorp Genetics (formerly Invitae), Labcorp
Classification: Uncertain significance for Spondyloenchondrodysplasia with immune dysregulation. Last evaluated: 2020-01-20. Review status: criteria provided, single submitter. Criteria: Invitae Variant Classification Sherloc (09022015). Collection method: clinical testing. Allele origin: germline.
Comment: This sequence change replaces proline with histidine at codon 16 of the ACP5 protein (p.Pro16His). The proline residue is moderately conserved and there is a moderate physicochemical difference between proline and histidine. In summary, the available evidence is currently insufficient to determine the role of this variant in disease. Therefore, it has been classified as a Variant of Uncertain Significance. Algorithms developed to predict the effect of missense changes on protein structure and function are either unavailable or do not agree on the potential impact of this missense change (SIFT: "Not Available"; PolyPhen-2: "Benign"; Align-GVGD: "Not Available"). This variant has not been reported in the literature in individuals with ACP5-related conditions. This variant is present in population databases (rs201047202, ExAC 0.09%).